The following is an entry in ClinVar:

NM_032578.4(MYPN):c.2151G>A (p.Thr717=)

Gene: MYPN (myopalladin; plus strand). Cytogenetic location: 10q21.3.
Variant type: single nucleotide variant.
Coding change: c.2151G>A on transcript NM_032578.4 (MANE Select); coding-DNA position 2151, G replaced by A.
Protein change: p.Thr717=; no amino-acid change (threonine 717 retained).
Molecular consequence: synonymous variant. On other transcripts: non-coding transcript variant (2).
Genome position (GRCh38, 1-based): chr10:68,174,243, G>A. VCF-style: chr10-68174243-G-A. GRCh37 (hg19) VCF-style: chr10-69934000-G-A.
Other names: c.2151G>A, p.Thr717= (NM_001256267.2); c.1269G>A, p.Thr423= (NM_001256268.2); c.2151G>A (NM_032578.2).
Identifiers: ClinVar variation 510089 (VCV000510089.4), dbSNP rs150223120, ClinGen allele CA5522736.

ClinVar aggregate classification (germline): Likely benign. Review status: criteria provided, multiple submitters, no conflicts (2 of 4 stars). 3 submissions from 3 submitters: Likely benign (3). Last evaluated 2026-08-22.

Conditions:
Dilated cardiomyopathy 1KK (CMD1KK). Identifiers: Orphanet 154, Orphanet 75249, MedGen C3714995, MONDO:0014100, OMIM 615248.
Cardiovascular phenotype. Identifiers: MedGen CN230736.

Allele frequency attached by ClinVar (database versions not stated): ExAC 0.00002; gnomAD exomes 0.00002; ESP Exome Variant Server 0.00008.
gnomAD v4.1: 10 of 1,613,958 alleles (0.00062%); highest among the groups gnomAD compares: Middle Eastern, 0.033%; no homozygotes.

Submissions (3):

Ambry Genetics
Classification: Likely benign for Cardiovascular phenotype. Last evaluated: 2026-08-22. Review status: criteria provided, single submitter. Criteria: Ambry Variant Classification Scheme 2023. Collection method: clinical testing. Allele origin: germline.

Labcorp Genetics (formerly Invitae), Labcorp
Classification: Likely benign for Dilated cardiomyopathy 1KK. Last evaluated: 2024-02-28. Review status: criteria provided, single submitter. Criteria: Invitae Variant Classification Sherloc (09022015). Collection method: clinical testing. Allele origin: germline.

GeneDx
Classification: Likely benign. Last evaluated: 2017-06-09. Review status: criteria provided, single submitter. Criteria: GeneDx Variant Classification (06012015). Collection method: clinical testing. Allele origin: germline. Affected: yes.
Comment: This variant is considered likely benign or benign based on one or more of the following criteria: it is a conservative change, it occurs at a poorly conserved position in the protein, it is predicted to be benign by multiple in silico algorithms, and/or has population frequency not consistent with disease.